The following is an entry in ClinVar:

ClinVar aggregate classification (germline): Uncertain significance (1 of 4 stars; one submission).

Submission:

Women's Health and Genetics/Laboratory Corporation of America, LabCorp
Classification: Uncertain significance. Last evaluated: 2024-02-07. Review status: criteria provided, single submitter. Criteria: LabCorp Variant Classification Summary - May 2015. Collection method: clinical testing. Allele origin: germline.
Comment: Variant summary: The variant involves the duplication of exons 2-24 in the FCSK gene. A presumed nomenclature of c.(-23+1_-22-1)_(*595_?)dup has been designated for the purposes of this classification. This duplication includes the entire coding sequence of the gene. The exact breakpoint at the 3' end of this variant is unknown, therefore this duplication may extend downstream of the annotated region of the gene. As it duplicates the termination codon, its effect on the encoded protein is unknown. The variant was absent in 21694 control chromosomes (gnomAD). The available data on variant occurrences in the general population are insufficient to allow any conclusion about variant significance. To our knowledge, no occurrence of c.(-23+1_-22-1)_(*595_?)dup in individuals affected with Congenital Disorder Of Glycosylation With Defective Fucosylation and no experimental evidence demonstrating its impact on protein function have been reported. ClinVar contains an entry for this variant (Variation ID: 2427327). Based on the evidence outlined above, the variant was classified as uncertain significance.

NC_000016.9:g.(70488534_70497071)_(70514178_?)dup

Gene: FCSK (fucose kinase; plus strand). Cytogenetic location: 16q22.1.
Variant type: Duplication.
Identifiers: ClinVar variation 3068821 (VCV003068821.1).